The following is an entry in ClinVar:

ClinVar aggregate classification (germline): Conflicting classifications of pathogenicity. Review status: criteria provided, conflicting classifications (1 of 4 stars). 7 submissions from 7 submitters: Uncertain significance (1); Likely benign (5). 1 of the submissions does not count toward it. Last evaluated 2024-10-01.

Conditions:
Hereditary breast ovarian cancer syndrome. Also called: Hereditary breast and ovarian cancer syndrome; Breast and ovarian cancer; BRCA1- and BRCA2-Associated Hereditary Breast and Ovarian Cancer; Hereditary breast and ovarian cancer syndrome (HBOC); Hereditary breast and/or ovarian cancer syndrome; Hereditary breast and ovarian cancer. Identifiers: Orphanet 145, MedGen C0677776, MeSH D061325, MONDO:0003582. Disease mechanism: loss of function.
Hereditary cancer-predisposing syndrome. Also called: Hereditary neoplastic syndrome; Hereditary Cancer Syndrome; Neoplastic Syndromes, Hereditary; Tumor predisposition. Identifiers: Orphanet 140162, MedGen C0027672, MeSH D009386, MONDO:0015356.
BRCA1-related disorder. Also called: BRCA1-related condition.

Allele frequency attached by ClinVar (database versions not stated): gnomAD exomes below 0.00001.
gnomAD v4.1: 5 of 1,613,914 alleles (0.00031%); highest among the groups gnomAD compares: African/African-American, 0.0013%; no homozygotes.

Submissions (7):

Labcorp Genetics (formerly Invitae), Labcorp
Classification: Likely benign for Hereditary breast ovarian cancer syndrome. Last evaluated: 2024-10-01. Review status: criteria provided, single submitter. Criteria: Invitae Variant Classification Sherloc (09022015). Collection method: clinical testing. Allele origin: germline.

Quest Diagnostics Nichols Institute San Juan Capistrano
Classification: Uncertain significance. Last evaluated: 2024-04-09. Review status: criteria provided, single submitter. Criteria: Quest Diagnostics criteria. Collection method: clinical testing. Allele origin: unknown.
Comment: The BRCA1 c.5289G>A (p.Gly1763=) synonymous variant has not been reported in individuals with BRCA1-related conditions in the published literature. It also has not been reported in large, multi-ethnic general populations (Genome Aggregation Database). Analysis of this variant using software algorithms for the prediction of the effect of nucleotide changes on splicing yielded predictions that this variant does not affect BRCA1 mRNA splicing. Based on the available information, we are unable to determine the clinical significance of this variant.

Sema4
Classification: Likely benign for Hereditary cancer-predisposing syndrome. Last evaluated: 2021-06-02. Review status: criteria provided, single submitter. Criteria: Sema4 Curation Guidelines. Collection method: curation. Allele origin: germline.

Ambry Genetics
Classification: Likely benign for Hereditary cancer-predisposing syndrome. Last evaluated: 2019-02-13. Review status: criteria provided, single submitter. Criteria: Ambry Variant Classification Scheme 2023. Collection method: clinical testing. Allele origin: germline.

GeneDx
Classification: Likely benign. Last evaluated: 2017-05-31. Review status: criteria provided, single submitter. Criteria: GeneDx Variant Classification (06012015). Collection method: clinical testing. Allele origin: germline. Affected: yes.
Comment: This variant is considered likely benign or benign based on one or more of the following criteria: it is a conservative change, it occurs at a poorly conserved position in the protein, it is predicted to be benign by multiple in silico algorithms, and/or has population frequency not consistent with disease.

Color Diagnostics, LLC DBA Color Health
Classification: Likely benign for Hereditary cancer-predisposing syndrome. Last evaluated: 2016-08-13. Review status: criteria provided, single submitter. Criteria: ACMG Guidelines, 2015. Collection method: clinical testing. Allele origin: germline.

PreventionGenetics, part of Exact Sciences
Classification: Likely benign for BRCA1-related condition. Last evaluated: 2019-03-21. Review status: no assertion criteria provided. Collection method: clinical testing. Allele origin: germline. Not counted in ClinVar's aggregate classification.
Comment: This variant is classified as likely benign based on ACMG/AMP sequence variant interpretation guidelines (Richards et al. 2015 PMID: 25741868, with internal and published modifications).

NM_007294.4(BRCA1):c.5289G>A (p.Gly1763=)

Gene: BRCA1 (BRCA1 DNA repair associated; minus strand). Cytogenetic location: 17q21.31.
Variant type: single nucleotide variant.
Coding change: c.5289G>A on transcript NM_007294.4 (MANE Select); coding-DNA position 5289, G replaced by A.
Protein change: p.Gly1763=; no amino-acid change (glycine 1763 retained).
Molecular consequence: synonymous variant. On other transcripts: intron variant (2).
Genome position (GRCh38, 1-based): chr17:43,051,106, C>T on the plus strand (G>A on the coding strand, the complement: BRCA1 is on the minus strand). VCF-style: chr17-43051106-C-T. GRCh37 (hg19) VCF-style: chr17-41203123-C-T.
Other names: c.5160G>A, p.Gly1720= (NM_001407683.1, NM_001407685.1, NM_001407686.1 and 6 more transcripts); c.5148G>A, p.Gly1716= (NM_001407727.1, NM_001407728.1, NM_001407729.1 and 13 more transcripts); c.5145G>A, p.Gly1715= (NM_001407732.1, NM_001407733.1, NM_001407734.1 and 21 more transcripts); c.5157G>A, p.Gly1719= (NM_001407690.1, NM_001407691.1); c.1650G>A, p.Gly550= (NM_001408507.1); c.1641G>A, p.Gly547= (NM_001408508.1); c.1638G>A, p.Gly546= (NM_001408509.1); c.1599G>A, p.Gly533= (NM_001408510.1); and 74 more.
Identifiers: ClinVar variation 509994 (VCV000509994.22), dbSNP rs1022076404, ClinGen allele CA500143600.